The following is an entry in ClinVar:

ClinVar aggregate classification (germline): Likely benign (1 of 4 stars; one submission).

Conditions:
Neuronopathy, distal hereditary motor, type 2D. Also called: HMN IID; SPINAL MUSCULAR ATROPHY, DISTAL, AUTOSOMAL DOMINANT, CALF-PREDOMINANT; NEURONOPATHY, DISTAL HEREDITARY MOTOR, AUTOSOMAL DOMINANT 6; NEURONOPATHY, DISTAL HEREDITARY MOTOR, HARDING TYPE IID; NEUROPATHY, DISTAL HEREDITARY MOTOR, HARDING TYPE IID. Identifiers: Orphanet 139525, MedGen C3888271, MONDO:0014259, OMIM 615575.

Submission:

Centre for Medical Genetics,  Mumbai
Classification: Likely benign for Neuronopathy, distal hereditary motor, type 2D. Last evaluated: 2026-05-02. Review status: criteria provided, single submitter. Criteria: ACMG Guidelines, 2015. Collection method: provider interpretation. Allele origin: germline. Inheritance: Autosomal dominant inheritance. Affected: no. Observed: 1 variant allele, 1 heterozygote.
Comment: The variant satisfies PM2 criteria - extremely low frequency in gnomAD population databases. However, the variant satisfies BS2 criteria - present in heterozygous state in an individual that clinically does not have Neuronopathy.

Literature cited by the submitters: PubMed 24207122.

NM_205836.3(FBXO38):c.3180T>G (p.Ile1060Met)

Gene: FBXO38 (F-box protein 38; plus strand). Cytogenetic location: 5q32.
Variant type: single nucleotide variant.
Coding change: c.3180T>G on transcript NM_205836.3 (MANE Select); coding-DNA position 3180, T replaced by G.
Protein change: p.Ile1060Met; replaces isoleucine 1060 with methionine.
Molecular consequence: missense variant.
Genome position (GRCh38, 1-based): chr5:148,440,433, T>G. VCF-style: chr5-148440433-T-G. GRCh37 (hg19) VCF-style: chr5-147819996-T-G.
Other names: c.2445T>G, p.Ile815Met (NM_001271723.2); c.2955T>G, p.Ile985Met (NM_030793.5); short protein forms I1060M, I815M, I985M.
Identifiers: ClinVar variation 4852279 (VCV004852279.1).